The following is an entry in ClinVar:

NM_139076.3(ABRAXAS1):c.410C>T (p.Pro137Leu)

Gene: ABRAXAS1 (abraxas 1, BRCA1 A complex subunit; minus strand). Cytogenetic location: 4q21.23.
Variant type: single nucleotide variant.
Coding change: c.410C>T on transcript NM_139076.3 (MANE Select); coding-DNA position 410, C replaced by T.
Protein change: p.Pro137Leu; replaces proline 137 with leucine.
Molecular consequence: missense variant.
Genome position (GRCh38, 1-based): chr4:83,470,269, G>A on the plus strand (C>T on the coding strand, the complement: ABRAXAS1 is on the minus strand). VCF-style: chr4-83470269-G-A. GRCh37 (hg19) VCF-style: chr4-84391422-G-A.
Other names: c.83C>T, p.Pro28Leu (NM_001345962.2); short protein forms P137L, P28L.
Identifiers: ClinVar variation 632798 (VCV000632798.11), dbSNP rs1560574581, ClinGen allele CA357259802.
Genomic context (GRCh38, chr4:83,470,269, plus strand): 5'-TGAGGTTTATATAAGGAATGTTCCAGTCGATGAGTAGAGCAGCTTTCTGTTATTATACTT[G>A]GTGTTAATAGCAGAAAAACAAGGTCTTGGTTTGAAAAATGCTCCTGCAAGTTTTTGTGAA-3'
Protein context (NP_620775.2, residues 127-147): NQDLVFLLLT[Pro137Leu]SIITESCSTH

ClinVar aggregate classification (germline): Uncertain significance. Review status: criteria provided, multiple submitters, no conflicts (2 of 4 stars). 3 submissions from 3 submitters: Uncertain significance (3). Last evaluated 2024-02-22.

Submissions (3):

Ambry Genetics
Classification: Uncertain significance. Last evaluated: 2024-02-22. Review status: criteria provided, single submitter. Criteria: Ambry Variant Classification Scheme 2023. Collection method: clinical testing. Allele origin: germline.
Comment: The p.P137L variant (also known as c.410C>T), located in coding exon 5 of the FAM175A gene, results from a C to T substitution at nucleotide position 410. The proline at codon 137 is replaced by leucine, an amino acid with similar properties. This amino acid position is conserved. In addition, this alteration is predicted to be tolerated by in silico analysis. Based on the available evidence, the clinical significance of this alteration remains unclear.

Labcorp Genetics (formerly Invitae), Labcorp
Classification: Uncertain significance. Last evaluated: 2019-03-06. Review status: criteria provided, single submitter. Criteria: Invitae Variant Classification Sherloc (09022015). Collection method: clinical testing. Allele origin: germline.
Comment: In summary, the available evidence is currently insufficient to determine the role of this variant in disease. Therefore, it has been classified as a Variant of Uncertain Significance. Algorithms developed to predict the effect of missense changes on protein structure and function are either unavailable or do not agree on the potential impact of this missense change (SIFT: "Deleterious"; PolyPhen-2: "Possibly Damaging"; Align-GVGD: "Class C0"). This variant has not been reported in the literature in individuals with ABRAXAS1-related conditions. This variant is not present in population databases (ExAC no frequency). This sequence change replaces proline with leucine at codon 137 of the ABRAXAS1 protein (p.Pro137Leu). The proline residue is moderately conserved and there is a moderate physicochemical difference between proline and leucine.

Women's Health and Genetics/Laboratory Corporation of America, LabCorp
Classification: Uncertain significance. Last evaluated: 2017-09-19. Review status: criteria provided, single submitter. Criteria: LabCorp Variant Classification Summary - May 2015. Collection method: clinical testing. Allele origin: germline.
Comment: Variant summary: The FAM175A c.410C>T (p.Pro137Leu) variant involves the alteration of a conserved nucleotide and 4/4 in silico tools (SNPsandGO not captured due to low reliability index) predict a damaging outcome. However, these predictions have yet to be functionally assessed. This variant is absent in 245834 control chromosomes (gnomAD). The variant of interest has not, to our knowledge, been reported in affected individuals via publications and/or reputable databases/clinical diagnostic laboratories. Because of the absence of clinical information and the lack of functional studies, the variant is classified as a "Variant of Uncertain Significance (VUS)," until additional information becomes available.